The following is an entry in ClinVar:

ClinVar aggregate classification (germline): Uncertain significance. Review status: criteria provided, multiple submitters, no conflicts (2 of 4 stars). 3 submissions from 3 submitters: Uncertain significance (3). Last evaluated 2026-07-31.

Conditions:
SEMA3E-related disorder. Also called: SEMA3E-related condition.
CHARGE syndrome (CHARGE). Also called: Hittner Hirsch Kreh syndrome; Coloboma, heart anomaly, choanal atresia, retardation, genital and ear anomalies; CHARGE association; Hall-Hittner syndrome; CHARGE ASSOCIATION--COLOBOMA, HEART ANOMALY, CHOANAL ATRESIA, RETARDATION, GENITAL AND EAR ANOMALIES. Identifiers: Orphanet 138, MedGen C0265354, MONDO:0008965.

Allele frequency attached by ClinVar (database versions not stated): ExAC 0.00004; gnomAD 0.00005; gnomAD exomes 0.00005 and 0.00021; TOPMed 0.00011; ESP Exome Variant Server 0.00023.
gnomAD v4.1: 319 of 1,612,928 alleles (0.02%); highest among the groups gnomAD compares: Non-Finnish European, 0.026%; no homozygotes.

Submissions (3):

PreventionGenetics, part of Exact Sciences
Classification: Uncertain significance for SEMA3E-related condition. Last evaluated: 2026-07-31. Review status: criteria provided, single submitter. Criteria: ACMG Guidelines, 2015. Collection method: clinical testing. Allele origin: germline.
Comment: The SEMA3E c.167T>C variant is predicted to result in the amino acid substitution p.Leu56Pro. This variant has been reported in an individual with chronic kidney disease, hypothyroidism, and seizures (Table S1, Connaughton et al. 2019. PubMed ID: 30773290). This variant is reported in 0.0093% of alleles in individuals of European (non-Finnish) descent in gnomAD. At this time, the clinical significance of this variant is uncertain due to the absence of conclusive functional and genetic evidence.

Labcorp Genetics (formerly Invitae), Labcorp
Classification: Uncertain significance for CHARGE syndrome. Last evaluated: 2025-12-15. Review status: criteria provided, single submitter. Criteria: Invitae Variant Classification Sherloc (09022015). Collection method: clinical testing. Allele origin: germline.
Comment: This sequence change replaces leucine, which is neutral and non-polar, with proline, which is neutral and non-polar, at codon 56 of the SEMA3E protein (p.Leu56Pro). This variant is present in population databases (rs375067711, gnomAD 0.01%). This missense change has been observed in individual(s) with chronic kidney disease, seizure disorder, and hypothyroidism (PMID: 30773290). ClinVar contains an entry for this variant (Variation ID: 579642). An algorithm developed to predict the effect of missense changes on protein structure and function (PolyPhen-2) suggests that this variant is likely to be disruptive. In summary, the available evidence is currently insufficient to determine the role of this variant in disease. Therefore, it has been classified as a Variant of Uncertain Significance.

GeneDx
Classification: Uncertain significance. Last evaluated: 2025-03-07. Review status: criteria provided, single submitter. Criteria: GeneDx Variant Classification Process June 2021. Collection method: clinical testing. Allele origin: germline. Affected: yes.
Comment: Observed in a patient with chronic kidney disease, a seizure disorder, and hypothyroidism in published literature (PMID: 30773290); In silico analysis supports that this missense variant has a deleterious effect on protein structure/function; Variants in candidate genes are classified as variants of uncertain significance in accordance with ACMG guidelines (PMID: 25741868); This variant is associated with the following publications: (PMID: 30661757, 30773290)

Literature cited by the submitters: PubMed 30773290 (cited by Labcorp Genetics (formerly Invitae), Labcorp).

NM_012431.3(SEMA3E):c.167T>C (p.Leu56Pro)

Gene: SEMA3E (semaphorin 3E; minus strand). Cytogenetic location: 7q21.11.
Variant type: single nucleotide variant.
Coding change: c.167T>C on transcript NM_012431.3 (MANE Select); coding-DNA position 167, T replaced by C.
Protein change: p.Leu56Pro; replaces leucine 56 with proline.
Molecular consequence: missense variant. On other transcripts: 5 prime UTR variant (1).
Genome position (GRCh38, 1-based): chr7:83,490,223, A>G on the plus strand (T>C on the coding strand, the complement: SEMA3E is on the minus strand). VCF-style: chr7-83490223-A-G. GRCh37 (hg19) VCF-style: chr7-83119539-A-G.
Other names: c.-14T>C (NM_001178129.2); short protein forms L56P.
Identifiers: ClinVar variation 579642 (VCV000579642.18), dbSNP rs375067711, ClinGen allele CA4322437.